The following is an entry in ClinVar:

ClinVar aggregate classification (germline): Uncertain significance. Review status: criteria provided, multiple submitters, no conflicts (2 of 4 stars). 2 submissions from 2 submitters: Uncertain significance (2). Last evaluated 2025-06-23.

Conditions:
Cardiovascular phenotype. Identifiers: MedGen CN230736.

Submissions (2):

Ambry Genetics
Classification: Uncertain significance for Cardiovascular phenotype. Last evaluated: 2025-06-23. Review status: criteria provided, single submitter. Criteria: Ambry Variant Classification Scheme 2023. Collection method: clinical testing. Allele origin: germline.
Comment: The p.W21R variant (also known as c.61T>C), located in coding exon 2 of the MFAP5 gene, results from a T to C substitution at nucleotide position 61. The tryptophan at codon 21 is replaced by arginine, an amino acid with dissimilar properties. This amino acid position is conserved. In addition, this alteration is predicted to be tolerated by in silico analysis. Based on the available evidence, the clinical significance of this variant remains unclear.

Labcorp Genetics (formerly Invitae), Labcorp
Classification: Uncertain significance. Last evaluated: 2025-02-06. Review status: criteria provided, single submitter. Criteria: Invitae Variant Classification Sherloc (09022015). Collection method: clinical testing. Allele origin: germline.
Comment: This sequence change replaces tryptophan, which is neutral and slightly polar, with arginine, which is basic and polar, at codon 21 of the MFAP5 protein (p.Trp21Arg). This variant is not present in population databases (gnomAD no frequency). This variant has not been reported in the literature in individuals affected with MFAP5-related conditions. An algorithm developed to predict the effect of missense changes on protein structure and function outputs the following: PolyPhen-2: "Benign". The arginine amino acid residue is found in multiple mammalian species, which suggests that this missense change does not adversely affect protein function. In summary, the available evidence is currently insufficient to determine the role of this variant in disease. Therefore, it has been classified as a Variant of Uncertain Significance.

NM_003480.4(MFAP5):c.61T>C (p.Trp21Arg)

Gene: MFAP5 (microfibril associated protein 5; minus strand). Cytogenetic location: 12p13.31.
Variant type: single nucleotide variant.
Coding change: c.61T>C on transcript NM_003480.4 (MANE Select); coding-DNA position 61, T replaced by C.
Protein change: p.Trp21Arg; replaces tryptophan 21 with arginine.
Molecular consequence: missense variant. On other transcripts: non-coding transcript variant (2), intron variant (1).
Genome position (GRCh38, 1-based): chr12:8,660,896, A>G on the plus strand (T>C on the coding strand, the complement: MFAP5 is on the minus strand). VCF-style: chr12-8660896-A-G. GRCh37 (hg19) VCF-style: chr12-8813492-A-G.
Other names: c.61T>C, p.Trp21Arg (NM_001297709.2, NM_001297711.2, NM_001297712.2); c.58+1151T>C (NM_001297710.2); short protein forms W21R.
Identifiers: ClinVar variation 4107154 (VCV004107154.2).